The following is an entry in ClinVar:

NM_153741.2(DPM3):c.19T>C (p.Trp7Arg)

Gene: DPM3 (dolichyl-phosphate mannosyltransferase subunit 3, regulatory; minus strand). Cytogenetic location: 1q22.
Variant type: single nucleotide variant.
Coding change: c.19T>C on transcript NM_153741.2 (MANE Select); coding-DNA position 19, T replaced by C.
Protein change: p.Trp7Arg; replaces tryptophan 7 with arginine.
Molecular consequence: missense variant.
Genome position (GRCh38, 1-based): chr1:155,140,222, A>G on the plus strand (T>C on the coding strand, the complement: DPM3 is on the minus strand). VCF-style: chr1-155140222-A-G. GRCh37 (hg19) VCF-style: chr1-155112698-A-G.
Other names: c.109T>C, p.Trp37Arg (NM_018973.4); c.19T>C (NM_153741.1); short protein forms W37R, W7R.
Identifiers: ClinVar variation 1410172 (VCV001410172.7), dbSNP rs1664705696, ClinGen allele CA342665018.
Genomic context (GRCh38, chr1:155,140,222, plus strand): 5'-CCAAGGCTCCCGTGGTCAGGGCCACCCAGGTGGAGCCCAGGATCGCTAGTCCCCAAAGCC[A>G]CTGCGCTAATTTCGTCATGGTCACTGCGAGAGAAGGAAGCAATGCTCCCCTGAGGAGCAG-3'
Protein context (NP_714963.1, residues 1-17): MTKLAQ[Trp7Arg]LWGLAILGST

ClinVar aggregate classification (germline): Uncertain significance. Review status: criteria provided, multiple submitters, no conflicts (2 of 4 stars). 2 submissions from 2 submitters: Uncertain significance (2). Last evaluated 2023-05-22.

Conditions:
DPM3-congenital disorder of glycosylation (MDDGC15). Also called: MUSCULAR DYSTROPHY-DYSTROGLYCANOPATHY (LIMB-GIRDLE), TYPE C, 15; DPM3-CDG; CDG Io; CDG1(DPM3). Identifiers: Orphanet 263494, MedGen C2752007, MONDO:0013049, OMIM 612937.

Submissions (2):

Labcorp Genetics (formerly Invitae), Labcorp
Classification: Uncertain significance for DPM3-congenital disorder of glycosylation. Last evaluated: 2023-05-22. Review status: criteria provided, single submitter. Criteria: Invitae Variant Classification Sherloc (09022015). Collection method: clinical testing. Allele origin: germline.
Comment: In summary, the available evidence is currently insufficient to determine the role of this variant in disease. Therefore, it has been classified as a Variant of Uncertain Significance. An algorithm developed to predict the effect of missense changes on protein structure and function (PolyPhen-2) suggests that this variant is likely to be disruptive. ClinVar contains an entry for this variant (Variation ID: 1410172). This variant has not been reported in the literature in individuals affected with DPM3-related conditions. This variant is not present in population databases (gnomAD no frequency). This sequence change replaces tryptophan, which is neutral and slightly polar, with arginine, which is basic and polar, at codon 7 of the DPM3 protein (p.Trp7Arg).

GeneDx
Classification: Uncertain significance. Last evaluated: 2023-03-26. Review status: criteria provided, single submitter. Criteria: GeneDx Variant Classification Process June 2021. Collection method: clinical testing. Allele origin: germline. Affected: yes.
Comment: Not observed at significant frequency in large population cohorts (gnomAD); In silico analysis supports that this missense variant has a deleterious effect on protein structure/function; Has not been previously published as pathogenic or benign to our knowledge